The following is an entry in ClinVar:

ClinVar aggregate classification (germline): Uncertain significance (1 of 4 stars; one submission).

Submission:

Laboratorio de Genetica e Diagnostico Molecular, Hospital Israelita Albert Einstein
Classification: Uncertain significance. Last evaluated: 2021-10-13. Review status: criteria provided, single submitter. Criteria: ACMG Guidelines, 2015. Collection method: clinical testing. Allele origin: germline. Affected: yes.
Comment: ACMG classification criteria: PM2, BP4

NM_006517.5(SLC16A2):c.865G>T (p.Asp289Tyr)

Gene: SLC16A2 (solute carrier family 16 member 2; plus strand). Cytogenetic location: Xq13.2.
Variant type: single nucleotide variant.
Coding change: c.865G>T on transcript NM_006517.5 (MANE Select); coding-DNA position 865, G replaced by T.
Protein change: p.Asp289Tyr; replaces aspartic acid 289 with tyrosine.
Molecular consequence: missense variant.
Genome position (GRCh38, 1-based): chrX:74,524,648, G>T. VCF-style: chrX-74524648-G-T. GRCh37 (hg19) VCF-style: chrX-73744483-G-T.
Other names: short protein forms D289Y.
Identifiers: ClinVar variation 1690456 (VCV001690456.2), dbSNP rs2147870620, ClinGen allele CA413657454.